The following is an entry in ClinVar:

NM_015662.3(IFT172):c.4312-10C>T

Gene: IFT172 (intraflagellar transport 172; minus strand). Cytogenetic location: 2p23.3.
Variant type: single nucleotide variant.
Coding change: c.4312-10C>T on transcript NM_015662.3 (MANE Select); 10 bases into the intron before coding-DNA position 4312, C replaced by T.
Molecular consequence: intron variant.
Genome position (GRCh38, 1-based): chr2:27,449,041, G>A on the plus strand (C>T on the coding strand, the complement: IFT172 is on the minus strand). VCF-style: chr2-27449041-G-A. GRCh37 (hg19) VCF-style: chr2-27671908-G-A.
Other names: c.4312-10C>T (NM_015662.2).
Identifiers: ClinVar variation 1136670 (VCV001136670.11), dbSNP rs767163406, ClinGen allele CA1579642.

ClinVar aggregate classification (germline): Likely benign. Review status: criteria provided, single submitter (1 of 4 stars). 2 submissions from 2 submitters: Likely benign (1). 1 of the submissions does not count toward it. Last evaluated 2024-09-30.

Conditions:
Short-rib thoracic dysplasia 10 with or without polydactyly (SRTD10). Identifiers: Orphanet 474, MedGen C3810175, MONDO:0014284, OMIM 615630.
Retinitis pigmentosa 71 (RP71). Identifiers: Orphanet 791, MedGen C4225342, MONDO:0014618, OMIM 616394.
IFT172-related disorder. Also called: IFT172-related disorders; IFT172-related condition.

Allele frequency attached by ClinVar (database versions not stated): gnomAD 0.00001; gnomAD exomes 0.00001; ExAC 0.00002; TOPMed 0.00002.
gnomAD v4.1: 16 of 1,480,918 alleles (0.0011%); highest among the groups gnomAD compares: South Asian, 0.0034%; no homozygotes.

Submissions (2):

Labcorp Genetics (formerly Invitae), Labcorp
Classification: Likely benign for Retinitis pigmentosa 71; Short-rib thoracic dysplasia 10 with or without polydactyly. Last evaluated: 2024-09-30. Review status: criteria provided, single submitter. Criteria: Invitae Variant Classification Sherloc (09022015). Collection method: clinical testing. Allele origin: germline.

PreventionGenetics, part of Exact Sciences
Classification: Likely benign for IFT172-related condition. Last evaluated: 2020-06-29. Review status: no assertion criteria provided. Collection method: clinical testing. Allele origin: germline. Not counted in ClinVar's aggregate classification.
Comment: This variant is classified as likely benign based on ACMG/AMP sequence variant interpretation guidelines (Richards et al. 2015 PMID: 25741868, with internal and published modifications).